The following is an entry in ClinVar:

NM_002180.3(IGHMBP2):c.1372C>T (p.Leu458Phe)

Gene: IGHMBP2 (immunoglobulin mu DNA binding protein 2; plus strand). Cytogenetic location: 11q13.3.
Variant type: single nucleotide variant.
Coding change: c.1372C>T on transcript NM_002180.3 (MANE Select); coding-DNA position 1372, C replaced by T.
Protein change: p.Leu458Phe; replaces leucine 458 with phenylalanine.
Molecular consequence: missense variant.
Genome position (GRCh38, 1-based): chr11:68,933,435, C>T. VCF-style: chr11-68933435-C-T. GRCh37 (hg19) VCF-style: chr11-68700903-C-T.
Other names: short protein forms L458F.
Identifiers: ClinVar variation 2042757 (VCV002042757.1), dbSNP rs370332386, ClinGen allele CA223408631.

ClinVar aggregate classification (germline): Uncertain significance (1 of 4 stars; one submission).

Conditions:
Charcot-Marie-Tooth disease axonal type 2S. Also called: CHARCOT-MARIE-TOOTH DISEASE, AXONAL, AUTOSOMAL RECESSIVE, TYPE 2S; CHARCOT-MARIE-TOOTH NEUROPATHY, TYPE 2S. Identifiers: Orphanet 443073, MedGen C4015349, MONDO:0014511, OMIM 616155.
Autosomal recessive distal spinal muscular atrophy 1. Also called: NEURONOPATHY, DISTAL HEREDITARY MOTOR, HARDING TYPE VI; NEUROPATHY, DISTAL HEREDITARY MOTOR, AUTOSOMAL RECESSIVE 1; HMN VI; SEVERE INFANTILE AXONAL NEUROPATHY WITH RESPIRATORY FAILURE; SPINAL MUSCULAR ATROPHY, DIAPHRAGMATIC; NEURONOPATHY, SEVERE INFANTILE AXONAL, WITH RESPIRATORY FAILURE. Identifiers: Orphanet 98920, MedGen C1858517, MONDO:0011436, OMIM 604320.

Submission:

Labcorp Genetics (formerly Invitae), Labcorp
Classification: Uncertain significance for Autosomal recessive distal spinal muscular atrophy 1; Charcot-Marie-Tooth disease axonal type 2S. Last evaluated: 2022-02-02. Review status: criteria provided, single submitter. Criteria: Invitae Variant Classification Sherloc (09022015). Collection method: clinical testing. Allele origin: germline.
Comment: This sequence change replaces leucine, which is neutral and non-polar, with phenylalanine, which is neutral and non-polar, at codon 458 of the IGHMBP2 protein (p.Leu458Phe). This variant is not present in population databases (gnomAD no frequency). This variant has not been reported in the literature in individuals affected with IGHMBP2-related conditions. Advanced modeling of protein sequence and biophysical properties (such as structural, functional, and spatial information, amino acid conservation, physicochemical variation, residue mobility, and thermodynamic stability) performed at Invitae indicates that this missense variant is not expected to disrupt IGHMBP2 protein function. In summary, the available evidence is currently insufficient to determine the role of this variant in disease. Therefore, it has been classified as a Variant of Uncertain Significance.